The following is an entry in ClinVar:

ClinVar aggregate classification (germline): Benign (1 of 4 stars; one submission).

Conditions:
SYNM-related disorder. Also called: SYNM-related condition.

Submission:

PreventionGenetics, part of Exact Sciences
Classification: Benign for SYNM-related condition. Last evaluated: 2019-07-01. Review status: criteria provided, single submitter. Criteria: ACMG Guidelines, 2015. Collection method: clinical testing. Allele origin: germline.
Comment: This variant is classified as benign based on ACMG/AMP sequence variant interpretation guidelines (Richards et al. 2015 PMID: 25741868, with internal and published modifications).

NM_145728.3(SYNM):c.3175C>T (p.Pro1059Ser)

Gene: SYNM (synemin; plus strand). Cytogenetic location: 15q26.3.
Variant type: single nucleotide variant.
Coding change: c.3175C>T on transcript NM_145728.3 (MANE Select); coding-DNA position 3175, C replaced by T.
Protein change: p.Pro1059Ser; replaces proline 1059 with serine.
Molecular consequence: missense variant.
Genome position (GRCh38, 1-based): chr15:99,131,535, C>T. VCF-style: chr15-99131535-C-T. GRCh37 (hg19) VCF-style: chr15-99671740-C-T.
Other names: c.3175C>T, p.Pro1059Ser (NM_015286.6); short protein forms P1059S.
Identifiers: ClinVar variation 3035350 (VCV003035350.1), dbSNP rs2543118223, ClinGen allele CA393667738.
Genomic context (GRCh38, chr15:99,131,535, plus strand): 5'-CTGAGCAGGCAACGCAGCCCAGCGCCTGGCAGCCCAGATGAGGAAGGTGGAGCGGAGGCC[C>T]CGGCTGCTGGCATTCGCTTTAGGCGTTGGGCCACCCGGGAGCTGTACATCCCTTCAGGCG-3'
Protein context (NP_663780.2, residues 1049-1069): SPDEEGGAEA[Pro1059Ser]AAGIRFRRWA